The following is an entry in ClinVar:

NM_000432.4(MYL2):c.4-5C>G

Genes: MYL2 (myosin light chain 2; minus strand), LOC114827850 (VISTA enhancer hs2149; plus strand). Cytogenetic location: 12q24.11.
Variant type: single nucleotide variant.
Coding change: c.4-5C>G on transcript NM_000432.4 (MANE Select); 5 bases into the intron before coding-DNA position 4, C replaced by G.
Molecular consequence: intron variant.
Genome position (GRCh38, 1-based): chr12:110,919,198, G>C on the plus strand (C>G on the coding strand, the complement: MYL2 is on the minus strand). VCF-style: chr12-110919198-G-C. GRCh37 (hg19) VCF-style: chr12-111357002-G-C.
Identifiers: ClinVar variation 1171989 (VCV001171989.9), dbSNP rs374870836, ClinGen allele CA243565775.

ClinVar aggregate classification (germline): Conflicting classifications of pathogenicity. Review status: criteria provided, conflicting classifications (1 of 4 stars). 2 submissions from 2 submitters: Uncertain significance (1); Likely benign (1). Last evaluated 2023-07-17.

Conditions:
Hypertrophic cardiomyopathy 10. Also called: CARDIOMYOPATHY, HYPERTROPHIC, MID-LEFT VENTRICULAR CHAMBER TYPE, 2; MYL2-Related Familial Hypertrophic Cardiomyopathy. Identifiers: MedGen C1834460, MONDO:0012112, OMIM 608758.
Cardiomyopathy (CMYO). Also called: Cardiomyopathies. Identifiers: Orphanet 167848, MedGen C0878544, MONDO:0004994, HP:0001638. Inheritance: Various modes of inheritance.

Allele frequency attached by ClinVar (database versions not stated): gnomAD 0.00001; gnomAD exomes 0.00001; ESP Exome Variant Server 0.00008.

Submissions (2):

Color Diagnostics, LLC DBA Color Health
Classification: Uncertain significance for Cardiomyopathy. Last evaluated: 2023-07-17. Review status: criteria provided, single submitter. Criteria: ACMG Guidelines, 2015. Collection method: clinical testing. Allele origin: germline.
Comment: This variant causes a C to G nucleotide substitution at the -5 position of intron 1 of the MYL2 gene. To our knowledge, functional studies have not been reported for this variant. This variant has not been reported in individuals affected with MYL2-related disorders in the literature. This variant has not been identified in the general population by the Genome Aggregation Database (gnomAD). The available evidence is insufficient to determine the role of this variant in disease conclusively. Therefore, this variant is classified as a Variant of Uncertain Significance.

Labcorp Genetics (formerly Invitae), Labcorp
Classification: Likely benign for Hypertrophic cardiomyopathy 10. Last evaluated: 2022-12-12. Review status: criteria provided, single submitter. Criteria: Invitae Variant Classification Sherloc (09022015). Collection method: clinical testing. Allele origin: germline.